The following is an entry in ClinVar:

NM_000038.6(APC):c.1992T>G (p.Thr664=)

Gene: APC (APC regulator of Wnt signaling pathway; plus strand). Cytogenetic location: 5q22.2.
Variant type: single nucleotide variant.
Coding change: c.1992T>G on transcript NM_000038.6 (MANE Select); coding-DNA position 1992, T replaced by G.
Protein change: p.Thr664=; no amino-acid change (threonine 664 retained).
Molecular consequence: synonymous variant.
Genome position (GRCh38, 1-based): chr5:112,837,586, T>G. VCF-style: chr5-112837586-T-G. GRCh37 (hg19) VCF-style: chr5-112173283-T-G.
Other names: c.1992T>G, p.Thr664= (NM_001127510.3, NM_001354895.2); c.1938T>G, p.Thr646= (NM_001127511.3); c.2046T>G, p.Thr682= (NM_001354896.2); c.2022T>G, p.Thr674= (NM_001354897.2); c.1917T>G, p.Thr639= (NM_001354898.2); c.1908T>G, p.Thr636= (NM_001354899.2); c.1869T>G, p.Thr623= (NM_001354900.2); c.1815T>G, p.Thr605= (NM_001354901.2); and 6 more.
Identifiers: ClinVar variation 1107039 (VCV001107039.12), dbSNP rs2149858311, ClinGen allele CA445963300.
Genomic context (GRCh38, chr5:112,837,586, plus strand): 5'-TTTTGTGATCTCTTGATTTTATTTCAGGCAAATCCTAAGAGAGAACAACTGTCTACAAAC[T>G]TTATTACAACACTTAAAATCTCATAGTTTGACAATAGTCAGTAATGCATGTGGAACTTTG-3'
Protein context (NP_000029.2, residues 654-674): QILRENNCLQ[Thr664=]LLQHLKSHSL

ClinVar aggregate classification (germline): Benign/Likely benign. Review status: criteria provided, multiple submitters, no conflicts (2 of 4 stars). 3 submissions from 3 submitters: Benign (1); Likely benign (2). Last evaluated 2026-01-20.

Conditions:
Familial adenomatous polyposis 1 (FAP1). Also called: FAMILIAL ADENOMATOUS POLYPOSIS 1, ATTENUATED; POLYPOSIS, ADENOMATOUS INTESTINAL. Identifiers: MedGen C2713442, MONDO:0021056, OMIM 175100. Disease mechanism: loss of function.
Hereditary cancer-predisposing syndrome. Also called: Hereditary Cancer Syndrome; Neoplastic Syndromes, Hereditary; Tumor predisposition; Hereditary neoplastic syndrome. Identifiers: Orphanet 140162, MedGen C0027672, MeSH D009386, MONDO:0015356.

Submissions (3):

Ambry Genetics
Classification: Likely benign for Hereditary cancer-predisposing syndrome. Last evaluated: 2026-01-20. Review status: criteria provided, single submitter. Criteria: Ambry Variant Classification Scheme 2023. Collection method: clinical testing. Allele origin: germline.

Myriad Genetics, Inc.
Classification: Benign for Familial adenomatous polyposis 1. Last evaluated: 2024-03-08. Review status: criteria provided, single submitter. Criteria: Myriad Autosomal Dominant, Autosomal Recessive and X-Linked Classification Criteria (2023). Collection method: clinical testing. Allele origin: unknown.
Comment: This variant is considered benign. This variant is a silent/synonymous amino acid change and it is not expected to impact splicing.

Labcorp Genetics (formerly Invitae), Labcorp
Classification: Likely benign for Familial adenomatous polyposis 1. Last evaluated: 2023-07-28. Review status: criteria provided, single submitter. Criteria: Invitae Variant Classification Sherloc (09022015). Collection method: clinical testing. Allele origin: germline.